The following is an entry in ClinVar:

NM_021098.3(CACNA1H):c.4777+6G>C

Gene: CACNA1H (calcium voltage-gated channel subunit alpha1 H; plus strand). Cytogenetic location: 16p13.3.
Variant type: single nucleotide variant.
Coding change: c.4777+6G>C on transcript NM_021098.3 (MANE Select); 6 bases into the intron after coding-DNA position 4777, G replaced by C.
Molecular consequence: intron variant.
Genome position (GRCh38, 1-based): chr16:1,212,534, G>C. VCF-style: chr16-1212534-G-C. GRCh37 (hg19) VCF-style: chr16-1262534-G-C.
Other names: c.4759+396G>C (NM_001005407.2).
Identifiers: ClinVar variation 2931964 (VCV002931964.3), dbSNP rs374875369, ClinGen allele CA620331496.

ClinVar aggregate classification (germline): Uncertain significance (1 of 4 stars; one submission).

Conditions:
Idiopathic generalized epilepsy. Also called: Generalised epilepsy; EIG. Identifiers: MedGen C0270850, MONDO:0005579, OMIM 600669.
Hyperaldosteronism, familial, type IV (HALD4). Also called: FH IV; ALDOSTERONISM, PRIMARY, AND HYPERTENSION. Identifiers: Orphanet 642671, MedGen C4310756, MONDO:0014875, OMIM 617027.

gnomAD v4.1: 8 of 1,610,344 alleles (0.0005%); highest among the groups gnomAD compares: African/African-American, 0.0053%; no homozygotes.

Submission:

Labcorp Genetics (formerly Invitae), Labcorp
Classification: Uncertain significance for Idiopathic generalized epilepsy; Hyperaldosteronism, familial, type IV. Last evaluated: 2025-12-19. Review status: criteria provided, single submitter. Criteria: Invitae Variant Classification Sherloc (09022015). Collection method: clinical testing. Allele origin: germline.
Comment: This sequence change falls in intron 26 of the CACNA1H gene. It does not directly change the encoded amino acid sequence of the CACNA1H protein. It affects a nucleotide within the consensus splice site. This variant is present in population databases (no rsID available, gnomAD 0.01%). This variant has not been reported in the literature in individuals affected with CACNA1H-related conditions. ClinVar contains an entry for this variant (Variation ID: 2931964). Variants that disrupt the consensus splice site are a relatively common cause of aberrant splicing (PMID: 17576681, 9536098). Algorithms developed to predict the effect of sequence changes on RNA splicing suggest that this variant is not likely to affect RNA splicing. In summary, the available evidence is currently insufficient to determine the role of this variant in disease. Therefore, it has been classified as a Variant of Uncertain Significance.

Literature cited by the submitters: PubMed 17576681; PubMed 9536098.